The following is an entry in ClinVar:

ClinVar aggregate classification (germline): Uncertain significance (1 of 4 stars; one submission).

Conditions:
Inborn genetic diseases. Identifiers: MedGen C0950123, MeSH D030342.

Submission:

Ambry Genetics
Classification: Uncertain significance for Inborn genetic diseases. Last evaluated: 2026-03-06. Review status: criteria provided, single submitter. Criteria: Ambry Variant Classification Scheme 2023. Collection method: clinical testing. Allele origin: germline.
Comment: The p.N1589I variant (also known as c.4766A>T), located in coding exon 19 of the FANCM gene, results from an A to T substitution at nucleotide position 4766. The asparagine at codon 1589 is replaced by isoleucine, an amino acid with dissimilar properties. This amino acid position is conserved. In addition, this alteration is predicted to be tolerated by in silico analysis. Based on the available evidence, the clinical significance of this variant remains unclear.

NM_020937.4(FANCM):c.4766A>T (p.Asn1589Ile)

Gene: FANCM (FA complementation group M; plus strand). Cytogenetic location: 14q21.2.
Variant type: single nucleotide variant.
Coding change: c.4766A>T on transcript NM_020937.4 (MANE Select); coding-DNA position 4766, A replaced by T.
Protein change: p.Asn1589Ile; replaces asparagine 1589 with isoleucine.
Molecular consequence: missense variant.
Genome position (GRCh38, 1-based): chr14:45,187,874, A>T. VCF-style: chr14-45187874-A-T. GRCh37 (hg19) VCF-style: chr14-45657077-A-T.
Other names: c.4688A>T, p.Asn1563Ile (NM_001308133.2); short protein forms N1589I, N1563I.
Identifiers: ClinVar variation 4826018 (VCV004826018.1).